The following is an entry in ClinVar:

NM_001134407.3(GRIN2A):c.3387C>G (p.His1129Gln)

Gene: GRIN2A (glutamate ionotropic receptor NMDA type subunit 2A; minus strand). Cytogenetic location: 16p13.2.
Variant type: single nucleotide variant.
Coding change: c.3387C>G on transcript NM_001134407.3 (MANE Select); coding-DNA position 3387, C replaced by G.
Protein change: p.His1129Gln; replaces histidine 1129 with glutamine.
Molecular consequence: missense variant.
Genome position (GRCh38, 1-based): chr16:9,764,157, G>C on the plus strand (C>G on the coding strand, the complement: GRIN2A is on the minus strand). VCF-style: chr16-9764157-G-C. GRCh37 (hg19) VCF-style: chr16-9858014-G-C.
Other names: c.3387C>G, p.His1129Gln (NM_000833.5, NM_001134408.2); short protein forms H1129Q.
Identifiers: ClinVar variation 1994902 (VCV001994902.4), dbSNP rs1223085313, ClinGen allele CA394707977.

ClinVar aggregate classification (germline): Uncertain significance (1 of 4 stars; one submission).

Conditions:
Landau-Kleffner syndrome (FESD). Also called: EPILEPSY, FOCAL, WITH SPEECH DISORDER AND WITH OR WITHOUT MENTAL RETARDATION; APHASIA, ACQUIRED, WITH EPILEPSY. Identifiers: Orphanet 1945, Orphanet 725, Orphanet 98818, MedGen C0282512, MONDO:0009509, OMIM 245570.

Submission:

Labcorp Genetics (formerly Invitae), Labcorp
Classification: Uncertain significance for Landau-Kleffner syndrome. Last evaluated: 2023-08-17. Review status: criteria provided, single submitter. Criteria: Invitae Variant Classification Sherloc (09022015). Collection method: clinical testing. Allele origin: germline.
Comment: In summary, the available evidence is currently insufficient to determine the role of this variant in disease. Therefore, it has been classified as a Variant of Uncertain Significance. Advanced modeling of protein sequence and biophysical properties (such as structural, functional, and spatial information, amino acid conservation, physicochemical variation, residue mobility, and thermodynamic stability) performed at Invitae indicates that this missense variant is not expected to disrupt GRIN2A protein function. ClinVar contains an entry for this variant (Variation ID: 1994902). This variant has not been reported in the literature in individuals affected with GRIN2A-related conditions. This variant is not present in population databases (gnomAD no frequency). This sequence change replaces histidine, which is basic and polar, with glutamine, which is neutral and polar, at codon 1129 of the GRIN2A protein (p.His1129Gln).